The following is an entry in ClinVar:

ClinVar aggregate classification (germline): Uncertain significance (1 of 4 stars; one submission).

Conditions:
Brugada syndrome 5 (BRGDA5). Identifiers: Orphanet 130, Orphanet 871, MedGen C2748541, MONDO:0013015, OMIM 612838.

Submission:

Labcorp Genetics (formerly Invitae), Labcorp
Classification: Uncertain significance for Brugada syndrome 5. Last evaluated: 2025-02-24. Review status: criteria provided, single submitter. Criteria: Invitae Variant Classification Sherloc (09022015). Collection method: clinical testing. Allele origin: germline.
Comment: The SCN1B gene has multiple clinically relevant transcripts. This variant occurs in alternate transcript NM_001037.5, and corresponds to NM_199037.3:c.*5525_*5552del in the primary transcript. This variant results in the deletion of part of exon 5 (c.591-12_606del) of the SCN1B gene. While this variant is not anticipated to result in nonsense mediated decay, it likely alters RNA splicing and results in a disrupted protein product. This variant is not present in population databases (gnomAD no frequency). This variant has been observed in individual(s) with clinical features of autosomal dominant SCN1B-related conditions (internal data). Variants that disrupt the consensus splice site are a relatively common cause of aberrant splicing (PMID: 17576681, 9536098). In summary, the available evidence is currently insufficient to determine the role of this variant in disease. Therefore, it has been classified as a Variant of Uncertain Significance.

Literature cited by the submitters: PubMed 17576681; PubMed 9536098.

NM_001037.5(SCN1B):c.591-12_606del

Gene: SCN1B (sodium voltage-gated channel beta subunit 1; plus strand). Cytogenetic location: 19q13.11.
Variant type: Deletion.
Coding change: c.591-12_606del on transcript NM_001037.5 (MANE Select); 12 bases into the intron before coding-DNA position 591 through coding-DNA position 606, 28 bases deleted (TTTCCCCCACAGCTCGGAATACCTGGCC).
Molecular consequence: splice acceptor variant.
Genome position (GRCh38, 1-based): chr19:35,039,623-35,039,650, TTTCCCCCACAGCTCGGAATACCTGGCC deleted; deleting any 28 consecutive bases within chr19:35,039,613-35,039,650 gives the same sequence; the c. name uses the placement nearest the transcript's 3' end. VCF-style (leftmost placement, unchanged base first): chr19-35039612-TATACCTGGCCTTTCCCCCACAGCTCGGA-T. GRCh37 (hg19) VCF-style: chr19-35530516-TATACCTGGCCTTTCCCCCACAGCTCGGA-T.
Other names: c.492-12_507del (NM_001321605.2).
Identifiers: ClinVar variation 2001659 (VCV002001659.4), dbSNP rs2514242028, ClinGen allele CA2580096894.
Genomic context (GRCh38, chr19:35,039,612, plus strand): 5'-GGAGACCGCTACCTTCCCCCATCCCCCGGGGGTTGGGTCGGTCTGATGATGGGGTCACTG[TATACCTGGCCTTTCCCCCACAGCTCGGA>T]ATACCTGGCCATCACCTCTGAAAGCAAAGAGAACTGCACGGGCGTCCAGGTGGCCGAATA-3'